The following is an entry in ClinVar:

ClinVar aggregate classification (germline): Benign (1 of 4 stars; one submission).

Conditions:
Familial cancer of breast. Also called: Hereditary breast cancer; hereditary breast carcinoma; BREAST CANCER, FAMILIAL. Identifiers: Orphanet 227535, MedGen C0346153, MONDO:0016419, OMIM 114480. Disease mechanism: loss of function.

Submission:

Myriad Genetics, Inc.
Classification: Benign for Familial cancer of breast. Last evaluated: 2025-01-22. Review status: criteria provided, single submitter. Criteria: Myriad Autosomal Dominant, Autosomal Recessive and X-Linked Classification Criteria (2023). Collection method: clinical testing. Allele origin: unknown.
Comment: This variant is considered benign. This variant is a silent/synonymous amino acid change and it is not expected to impact splicing.

NM_024675.4(PALB2):c.3312T>G (p.Gly1104=)

Gene: PALB2 (partner and localizer of BRCA2; minus strand). Cytogenetic location: 16p12.2.
Variant type: single nucleotide variant.
Coding change: c.3312T>G on transcript NM_024675.4 (MANE Select); coding-DNA position 3312, T replaced by G.
Protein change: p.Gly1104=; no amino-acid change (glycine 1104 retained).
Molecular consequence: synonymous variant. On other transcripts: intron variant (8).
Genome position (GRCh38, 1-based): chr16:23,607,902, A>C on the plus strand (T>G on the coding strand, the complement: PALB2 is on the minus strand). VCF-style: chr16-23607902-A-C. GRCh37 (hg19) VCF-style: chr16-23619223-A-C.
Other names: c.2265T>G, p.Gly755= (NM_001407307.1); c.1524T>G, p.Gly508= (NM_001407312.1); c.2229-4233T>G (NM_001407309.1, NM_001407308.1); c.2317-4233T>G (NM_001407311.1, NM_001407310.1); c.3040-4233T>G (NM_001407302.1); c.1414-4233T>G (NM_001407313.1); c.3114-4233T>G (NM_001407299.1); c.3202-4233T>G (NM_001407301.1); and 6 more.
Identifiers: ClinVar variation 3903521 (VCV003903521.1).